The following is an entry in ClinVar:

ClinVar aggregate classification (germline): Pathogenic. Review status: criteria provided, single submitter (1 of 4 stars). 2 submissions from 2 submitters: Pathogenic (1). 1 of the submissions does not count toward it. Last evaluated 2012-12-26.

Conditions:
CBL-related disorder. Also called: NOONAN SYNDROME-LIKE DISORDER WITHOUT JUVENILE MYELOMONOCYTIC LEUKEMIA; CBL MUTATION-ASSOCIATED SYNDROME; CBL SYNDROME. Identifiers: Orphanet 363972, MedGen C3150803, MONDO:0013308, OMIM 613563.

Submissions (2):

GeneDx
Classification: Pathogenic. Last evaluated: 2012-12-26. Review status: criteria provided, single submitter. Criteria: GeneDx Variant Classification (06012015). Collection method: clinical testing. Allele origin: germline. Affected: yes.
Comment: This is a nonsense mutation, denoted p.Tyr102Stop at the protein level, c.306 T>G at the cDNA level. The substitution creates a nonsense mutations, changing a Tyrosine to a premature stop codon (TAT>TAG) in exon 2 of the CBL gene (NM_005188.2). The Y102X missense mutation in the CBL gene has not been reported as a disease-causing mutation or as a benign polymorphism, to our knowledge. This mutation is predicted to cause loss of normal protein function either through protein truncation or nonsense-mediated mRNA decay. The variant is found in NOONAN panel(s).

Biochemical Molecular Genetic Laboratory, King Abdulaziz Medical City
Classification: Likely pathogenic for CBL-related disorder. Last evaluated: 2019-08-25. Review status: no assertion criteria provided. Collection method: clinical testing. Allele origin: germline. Affected: yes. Not counted in ClinVar's aggregate classification.

NM_005188.4(CBL):c.306T>G (p.Tyr102Ter)

Gene: CBL (Cbl proto-oncogene; plus strand). Cytogenetic location: 11q23.3.
Variant type: single nucleotide variant.
Coding change: c.306T>G on transcript NM_005188.4 (MANE Select); coding-DNA position 306, T replaced by G.
Protein change: p.Tyr102Ter; replaces tyrosine 102 with a stop codon.
Molecular consequence: nonsense.
Genome position (GRCh38, 1-based): chr11:119,232,558, T>G. VCF-style: chr11-119232558-T-G. GRCh37 (hg19) VCF-style: chr11-119103268-T-G.
Other names: p.Y102*:TAT>TAG; short protein forms Y102*.
Identifiers: ClinVar variation 40401 (VCV000040401.3), dbSNP rs397507489, ClinGen allele CA282012.